The following is an entry in ClinVar:

ClinVar aggregate classification (germline): Conflicting classifications of pathogenicity. Review status: criteria provided, conflicting classifications (1 of 4 stars). 15 submissions from 15 submitters: Uncertain significance (7); Likely benign (6). 2 of the submissions do not count toward it. Last evaluated 2025-12-19.

Conditions:
BRCA1-related disorder. Also called: BRCA1-related condition.
Breast-ovarian cancer, familial, susceptibility to, 1 (BROVCA1). Also called: BRCA1 Hereditary Breast and Ovarian Cancer; OVARIAN CANCER, SUSCEPTIBILITY TO. Identifiers: Orphanet 145, MedGen C2676676, MONDO:0011450, OMIM 604370. Disease mechanism: loss of function.
Familial cancer of breast. Also called: hereditary breast carcinoma; BREAST CANCER, FAMILIAL; Hereditary breast cancer. Identifiers: Orphanet 227535, MedGen C0346153, MONDO:0016419, OMIM 114480. Disease mechanism: loss of function.
Fanconi anemia, complementation group S (FANCS). Identifiers: MedGen C4554406, MONDO:0054748, OMIM 617883.
Pancreatic cancer, susceptibility to, 4. Identifiers: Orphanet 1333, MedGen C3280442, MONDO:0013685, OMIM 614320.
Hereditary cancer-predisposing syndrome. Also called: Hereditary Cancer Syndrome; Hereditary neoplastic syndrome; Neoplastic Syndromes, Hereditary; Tumor predisposition. Identifiers: Orphanet 140162, MedGen C0027672, MeSH D009386, MONDO:0015356.
Malignant tumor of breast. Also called: Cancer breast; Malignant breast neoplasm. Identifiers: MedGen C0006142, MONDO:0007254. Disease mechanism: loss of function.
Breast neoplasm. Also called: Neoplasm of the breast; Neoplasm of breast; Breast tumor; Breast Neoplasms. Identifiers: MedGen C1458155, MeSH D001943, MONDO:0021100, HP:0100013. Disease mechanism: gain of function.
Hereditary breast ovarian cancer syndrome. Also called: BRCA1- and BRCA2-Associated Hereditary Breast and Ovarian Cancer; Hereditary breast and ovarian cancer syndrome; Hereditary breast and ovarian cancer syndrome (HBOC); Breast and ovarian cancer; Hereditary breast and/or ovarian cancer syndrome; Hereditary breast and ovarian cancer. Identifiers: Orphanet 145, MedGen C0677776, MeSH D061325, MONDO:0003582. Disease mechanism: loss of function.

Allele frequency attached by ClinVar (database versions not stated): ExAC 0.00004; TOPMed below 0.00001; gnomAD 0.00002.
gnomAD v4.1: 21 of 1,610,158 alleles (0.0013%); highest among the groups gnomAD compares: East Asian, 0.047%; no homozygotes.

Submissions 1 to 9 of 16:

Labcorp Genetics (formerly Invitae), Labcorp
Classification: Likely benign for Hereditary breast ovarian cancer syndrome. Last evaluated: 2025-12-19. Review status: criteria provided, single submitter. Criteria: Invitae Variant Classification Sherloc (09022015). Collection method: clinical testing. Allele origin: germline.

PreventionGenetics, part of Exact Sciences
Classification: Likely benign for BRCA1-related condition. Last evaluated: 2025-12-02. Review status: criteria provided, single submitter. Criteria: ACMG Guidelines, 2015. Collection method: clinical testing. Allele origin: germline.
Comment: This variant is classified as likely benign based on ACMG/AMP sequence variant interpretation guidelines (Richards et al. 2015 PMID: 25741868, with internal and published modifications).

Quest Diagnostics Nichols Institute San Juan Capistrano
Classification: Uncertain significance. Last evaluated: 2025-10-23. Review status: criteria provided, single submitter. Criteria: Quest Diagnostics criteria. Collection method: clinical testing. Allele origin: unknown.
Comment: The BRCA1 c.5068A>C (p.Lys1690Gln) variant has been reported in the published literature in individuals with breast cancer (PMID: 15365993 (2004), 18006916 (2007), 29263802 (2016), 30287823 (2018), 33471991 (2021), see also LOVD, breast and/or ovarian cancer (PMID: 28364669 (2017), 35205313 (2022)), and in reportedly unaffected individuals (PMID: 30287823 (2018), 32467295 (2020), 33471991 (2021), see also LOVD). Functional studies demonstrated conflicting effects on protein function (PMIDs: 26689913 (2015), 30209399 (2018), 30257991 (2018)). The frequency of this variant in the general population (Genome Aggregation Database) is uninformative in the assessment of its pathogenicity. Analysis of this variant using bioinformatics tools for the prediction of the effect of amino acid changes on protein structure and function yielded conflicting predictions that this variant is benign or damaging. Based on the available information, we are unable to determine the clinical significance of this variant.

Center for Genomic Medicine, Rigshospitalet, Copenhagen University Hospital
Classification: Uncertain significance. Last evaluated: 2025-03-04. Review status: criteria provided, single submitter. Criteria: ACMG Guidelines, 2015. Collection method: clinical testing. Allele origin: germline.

ARUP Laboratories, Molecular Genetics and Genomics, ARUP Laboratories
Classification: Likely benign. Last evaluated: 2024-05-02. Review status: criteria provided, single submitter. Criteria: ARUP Molecular Germline Variant Investigation Process 2024. Collection method: clinical testing. Allele origin: germline.

GeneDx
Classification: Uncertain significance. Last evaluated: 2023-09-05. Review status: criteria provided, single submitter. Criteria: GeneDx Variant Classification Process June 2021. Collection method: clinical testing. Allele origin: germline. Affected: yes.
Comment: Published functional studies are inconclusive: conflicting homology-directed repair ability, defective protein instability, but normal nuclear localization and classified as functional by a saturation genome editing survival assay (PMID: 26689913, 30209399, 30257991); Observed in multiple individuals with breast or other cancers (PMID: 15365993, 18006916, 26221963, 28111427, 28364669, 31825140, 35205313); In silico analysis supports that this missense variant has a deleterious effect on protein structure/function; Also known as 5187A>C; This variant is associated with the following publications: (PMID: 24772314, 28111427, 15365993, 26689913, 28664449, 28364669, 18006916, 21147198, 27257965, 26221963, 22333603, 30257991, 30209399, 30702160, 31470354, 31825140, 32467295, 33087888, 32803532, 29263802, 35205313, 36243179, 34621001, 31131967, 25348405)

Sema4
Classification: Uncertain significance for Hereditary cancer-predisposing syndrome. Last evaluated: 2021-11-03. Review status: criteria provided, single submitter. Criteria: Sema4 Curation Guidelines. Collection method: curation. Allele origin: germline.
Comment: The BRCA1 c.5068A>C (p.K1690Q) variant has been reported in heterozygosity in numerous individuals with breast cancer (PMID: 15365993, 28664449, 29263802, 28111427, 33471991). It has also been seen in individuals from the general population or control populations (PMID: 32467295, 33471991). Homology-directed repair studies have demonstrated the normal function of the protein (PMID: 26689913, 30209399) but one study has shown a decrease compared to wild type (PMID: 30257991). In silico tools suggest the impact of the variant on protein function is deleterious. It was observed in 9/19948 chromosomes of the East Asian subpopulation in the large and broad cohorts of the Genome Aggregation Database (PMID: 32461654). The variant has been reported in ClinVar (Variation ID 55370). The evidence is insufficient to meet ACMG/AMP criteria for classifying the variant as benign or pathogenic. Thus, the clinical significance of this variant is currently uncertain.

Women's Health and Genetics/Laboratory Corporation of America, LabCorp
Classification: Likely benign. Last evaluated: 2021-04-10. Review status: criteria provided, single submitter. Criteria: LabCorp Variant Classification Summary - May 2015. Collection method: clinical testing. Allele origin: germline.
Comment: Variant summary: BRCA1 c.5068A>C (p.Lys1690Gln) results in a conservative amino acid change located in the BRCT domain of the encoded protein sequence. Three of five in-silico tools predict a benign effect of the variant on protein function. A recent report from the CAGI5 (fifth Critical Assessment of Genome Interpretation) challenge has classified this variant as likely benign in a prediction protocol that includes assessment of the impact of this variant on splicing and protein function using four sets of predictors (Cline_2019). The variant allele was found at a frequency of 3.2e-05 in 251460 control chromosomes, predominantly at a frequency of 0.00044 within the East Asian subpopulation in the gnomAD database. The available data on variant occurrences in the general population are insufficient to allow any conclusion about variant significance. c.5068A>C, has been reported in the literature in individuals affected with breast and/or ovarian Cancer, predominantly of Asian origin (example, Ang_2007, Lang_2017, Li_2017, Lu_2015, Park_2017, Ryu_2017, Seo_2004, Wong_2016, Zhong_2016). These report(s) do not provide unequivocal conclusions about association of the variant with Hereditary Breast And Ovarian Cancer Syndrome. At-least one co-occurrence with another pathogenic variant(s) has been reported (BRCA2 c.9294C>G, p.Y3098X, Wong_2016), providing supporting evidence for a benign role. Multiple publications report experimental evidence evaluating an impact on protein function. These results showed no damaging effect of this variant on homology directed repair (example, Findlay_2018). Eight clinical diagnostic laboratories have submitted clinical-significance assessments for this variant to ClinVar after 2014 without evidence for independent evaluation. Multiple laboratories reported the variant with conflicting assessments (likely benign, n=2; VUS, n=6). At-least two submitters have re-classified this variant as likely benign since its previous evaluation. Some submitters cite overlapping evidence utilized in the context of this evaluation. Based on the evidence outlined above, the variant was classified as likely benign.

Color Diagnostics, LLC DBA Color Health
Classification: Likely benign for Hereditary cancer-predisposing syndrome. Last evaluated: 2021-04-07. Review status: criteria provided, single submitter. Criteria: ACMG Guidelines, 2015. Collection method: clinical testing. Allele origin: germline.

NM_007294.4(BRCA1):c.5068A>C (p.Lys1690Gln)

Gene: BRCA1 (BRCA1 DNA repair associated; minus strand). Cytogenetic location: 17q21.31.
Variant type: single nucleotide variant.
Coding change: c.5068A>C on transcript NM_007294.4 (MANE Select); coding-DNA position 5068, A replaced by C.
Protein change: p.Lys1690Gln; replaces lysine 1690 with glutamine.
Molecular consequence: missense variant. On other transcripts: non-coding transcript variant (1).
Genome position (GRCh38, 1-based): chr17:43,067,614, T>G on the plus strand (A>C on the coding strand, the complement: BRCA1 is on the minus strand). VCF-style: chr17-43067614-T-G. GRCh37 (hg19) VCF-style: chr17-41219631-T-G.
Other names: p.K1690Q:AAA>CAA; 5187A>C; c.1759A>C, p.Lys587Gln (NM_001407974.1, NM_001407975.1, NM_001407976.1 and 3 more transcripts); c.1756A>C, p.Lys586Gln (NM_001407979.1, NM_001407980.1, NM_001407981.1 and 13 more transcripts); c.4927A>C, p.Lys1643Gln (NM_001407724.1, NM_001407725.1, NM_001407726.1 and 13 more transcripts); c.4924A>C, p.Lys1642Gln (NM_001407732.1, NM_001407733.1, NM_001407743.1 and 21 more transcripts); c.4921A>C, p.Lys1641Gln (NM_001407848.1, NM_001407849.1, NM_001407850.1 and 12 more transcripts); c.5068A>C, p.Lys1690Gln (NM_001407854.1, NM_001407593.1, NM_001407594.1 and 8 more transcripts); and 72 more; short protein forms K1690Q, K1711Q, K1643Q, K586Q, K1577Q, K1579Q, K1619Q, K1647Q.
Identifiers: ClinVar variation 55370 (VCV000055370.43), dbSNP rs397507239, ClinGen allele CA003183.